The following is an entry in ClinVar:

NM_004312.3(ARR3):c.609+5G>C

Gene: ARR3 (arrestin 3; plus strand). Cytogenetic location: Xq13.1.
Variant type: single nucleotide variant.
Coding change: c.609+5G>C on transcript NM_004312.3 (MANE Select); 5 bases into the intron after coding-DNA position 609, G replaced by C.
Molecular consequence: intron variant.
Genome position (GRCh38, 1-based): chrX:70,277,534, G>C. VCF-style: chrX-70277534-G-C. GRCh37 (hg19) VCF-style: chrX-69497384-G-C.
Identifiers: ClinVar variation 4533227 (VCV004533227.1).

ClinVar aggregate classification (germline): Uncertain significance (1 of 4 stars; one submission).

Conditions:
Myopia 26, X-linked, female-limited. Identifiers: MedGen C4538795, MONDO:0049221, OMIM 301010.

Submission:

Juno Genomics, Hangzhou Juno Genomics, Inc
Classification: Uncertain significance for Myopia 26, X-linked, female-limited. Review status: criteria provided, single submitter. Criteria: ACMG Guidelines, 2015. Collection method: clinical testing. Allele origin: germline. Affected: yes.
Comment: Absent from controls (or at extremely low frequency if recessive) in Genome Aggregation Database, Exome Sequencing Project, 1000 Genomes Project, or Exome Aggregation Consortium.;Multiple lines of computational evidence support a deleterious effect on the gene or gene product (conservation, evolutionary, splicing impact, etc).